The following is an entry in ClinVar:

NM_152594.3(SPRED1):c.490_491dup (p.Ser165fs)

Gene: SPRED1 (sprouty related EVH1 domain containing 1; plus strand). Cytogenetic location: 15q14.
Variant type: Duplication.
Coding change: c.490_491dup on transcript NM_152594.3 (MANE Select); coding-DNA positions 490 to 491, 2 bases duplicated (AC; older notation c.490_491dupAC).
Protein change: p.Ser165fs; shifts the reading frame from serine 165.
Molecular consequence: frameshift variant.
Genome position (GRCh38, 1-based): chr15:38,339,803-38,339,804, AC duplicated. VCF-style (leftmost placement, unchanged base first): chr15-38339802-T-TAC. GRCh37 (hg19) VCF-style: chr15-38632003-T-TAC.
Other names: short protein forms S165fs.
Identifiers: ClinVar variation 2830730 (VCV002830730.3), dbSNP rs2542723735, ClinGen allele CA2739279486.
Genomic context (GRCh38, chr15:38,339,802, plus strand): 5'-TGAAGAGGATTCTTCCAGTTCTCTAGTGAAGGATCACCTTTTTCAGCAAGAGACAGTTGT[T>TAC]ACCAGTGAGCCTTATAGAAGCTCAAATATAAGACCTTCTCCCTTTGAAGATCTGAATGCC-3'

ClinVar aggregate classification (germline): Pathogenic (1 of 4 stars; one submission).

Conditions:
Legius syndrome. Identifiers: Orphanet 137605, MedGen C1969623, MONDO:0012669, OMIM 611431. Disease mechanism: loss of function.

Submission:

Labcorp Genetics (formerly Invitae), Labcorp
Classification: Pathogenic for Legius syndrome. Last evaluated: 2023-01-21. Review status: criteria provided, single submitter. Criteria: Invitae Variant Classification Sherloc (09022015). Collection method: clinical testing. Allele origin: germline.
Comment: For these reasons, this variant has been classified as Pathogenic. This variant has not been reported in the literature in individuals affected with SPRED1-related conditions. This variant is not present in population databases (gnomAD no frequency). This sequence change creates a premature translational stop signal (p.Ser165Profs*10) in the SPRED1 gene. It is expected to result in an absent or disrupted protein product. Loss-of-function variants in SPRED1 are known to be pathogenic (PMID: 17704776).

Literature cited by the submitters: PubMed 17704776.